The following is an entry in ClinVar:

NM_001122681.2(SH3BP2):c.1396G>A (p.Glu466Lys)

Gene: SH3BP2 (SH3 domain binding protein 2; plus strand). Cytogenetic location: 4p16.3.
Variant type: single nucleotide variant.
Coding change: c.1396G>A on transcript NM_001122681.2 (MANE Select); coding-DNA position 1396, G replaced by A.
Protein change: p.Glu466Lys; replaces glutamic acid 466 with lysine.
Molecular consequence: missense variant.
Genome position (GRCh38, 1-based): chr4:2,831,968, G>A. VCF-style: chr4-2831968-G-A. GRCh37 (hg19) VCF-style: chr4-2833695-G-A.
Other names: c.1480G>A, p.Glu494Lys (NM_001145855.2); c.1567G>A, p.Glu523Lys (NM_001145856.2); c.1396G>A, p.Glu466Lys (NM_003023.4); short protein forms E494K, E523K, E466K.
Identifiers: ClinVar variation 971905 (VCV000971905.10), dbSNP rs946632787, ClinGen allele CA91412627.

ClinVar aggregate classification (germline): Uncertain significance. Review status: criteria provided, multiple submitters, no conflicts (2 of 4 stars). 2 submissions from 2 submitters: Uncertain significance (2). Last evaluated 2025-09-29.

Conditions:
Inborn genetic diseases. Identifiers: MedGen C0950123, MeSH D030342.
Fibrous dysplasia of jaw (CRBM). Also called: Cherubism. Identifiers: Orphanet 184, MedGen C0008029, MONDO:0007315, OMIM 118400.

Allele frequency attached by ClinVar (database versions not stated): gnomAD exomes 0.00001; TOPMed 0.00003.
gnomAD v4.1: 34 of 1,613,038 alleles (0.0021%); highest among the groups gnomAD compares: Middle Eastern, 0.016%; no homozygotes.

Submissions (2):

Labcorp Genetics (formerly Invitae), Labcorp
Classification: Uncertain significance for Fibrous dysplasia of jaw. Last evaluated: 2025-09-29. Review status: criteria provided, single submitter. Criteria: Invitae Variant Classification Sherloc (09022015). Collection method: clinical testing. Allele origin: germline.
Comment: This sequence change replaces glutamic acid, which is acidic and polar, with lysine, which is basic and polar, at codon 466 of the SH3BP2 protein (p.Glu466Lys). This variant is present in population databases (no rsID available, gnomAD 0.003%). This variant has not been reported in the literature in individuals affected with SH3BP2-related conditions. ClinVar contains an entry for this variant (Variation ID: 971905). Invitae Evidence Modeling of protein sequence and biophysical properties (such as structural, functional, and spatial information, amino acid conservation, physicochemical variation, residue mobility, and thermodynamic stability) indicates that this missense variant is not expected to disrupt SH3BP2 protein function with a negative predictive value of 95%. In summary, the available evidence is currently insufficient to determine the role of this variant in disease. Therefore, it has been classified as a Variant of Uncertain Significance.

Ambry Genetics
Classification: Uncertain significance for Inborn genetic diseases. Last evaluated: 2024-11-14. Review status: criteria provided, single submitter. Criteria: Ambry Variant Classification Scheme 2023. Collection method: clinical testing. Allele origin: germline.